The following is an entry in ClinVar:

ClinVar aggregate classification (germline): Benign. Review status: criteria provided, multiple submitters, no conflicts (2 of 4 stars). 2 submissions from 2 submitters: Benign (2). Last evaluated 2018-01-13.

Conditions:
Parietal foramina 2 (PFM2). Identifiers: Orphanet 60015, MedGen C1865044, MONDO:0012309, OMIM 609597.

Allele frequency attached by ClinVar (database versions not stated): gnomAD exomes 0.04286; gnomAD 0.07512; TOPMed 0.08496; 1000 Genomes Project 30x 0.09182; 1000 Genomes Project 0.09185.
gnomAD v4.1: 12,129 of 152,404 alleles (8%); highest among the groups gnomAD compares: Middle Eastern, 15%; 516 homozygotes.

Submissions (2):

Illumina Laboratory Services, Illumina
Classification: Benign for Parietal foramina 2. Last evaluated: 2018-01-13. Review status: criteria provided, single submitter. Criteria: ICSL Variant Classification Criteria 13 December 2019. Collection method: clinical testing. Allele origin: germline.
Comment: This variant was observed in the ICSL laboratory as part of a predisposition screen in an ostensibly healthy population. It had not been previously curated by ICSL or reported in the Human Gene Mutation Database (HGMD: prior to June 1st, 2018), and was therefore a candidate for classification through an automated scoring system. Utilizing variant allele frequency, disease prevalence and penetrance estimates, and inheritance mode, an automated score was calculated to assess if this variant is too frequent to cause the disease. Based on the score and internal cut-off values, a variant classified as benign is not then subjected to further curation. The score for this variant resulted in a classification of benign for this disease.

Breakthrough Genomics
Classification: Benign. Review status: criteria provided, single submitter. Criteria: ACMG Guidelines, 2015. Collection method: not provided. Allele origin: germline. Inheritance: Autosomal recessive inheritance. Affected: yes.

NM_021926.4(ALX4):c.*973G>A

Gene: ALX4 (ALX homeobox 4; minus strand). Cytogenetic location: 11p11.2.
Variant type: single nucleotide variant.
Coding change: c.*973G>A on transcript NM_021926.4 (MANE Select); 973 bases downstream of the stop codon, G replaced by A.
Molecular consequence: 3 prime UTR variant.
Genome position (GRCh38, 1-based): chr11:44,263,881, C>T on the plus strand (G>A on the coding strand, the complement: ALX4 is on the minus strand). VCF-style: chr11-44263881-C-T. GRCh37 (hg19) VCF-style: chr11-44285431-C-T.
Other names: c.*973G>A (LRG_1256t1).
Identifiers: ClinVar variation 304673 (VCV000304673.6), dbSNP rs117526668, ClinGen allele CA10634885.